The following is an entry in ClinVar:

NM_201384.3(PLEC):c.5855G>A (p.Arg1952His)

Gene: PLEC (plectin; minus strand). Cytogenetic location: 8q24.3.
Variant type: single nucleotide variant.
Coding change: c.5855G>A on transcript NM_201384.3 (MANE Select); coding-DNA position 5855, G replaced by A.
Protein change: p.Arg1952His; replaces arginine 1952 with histidine.
Molecular consequence: missense variant.
Genome position (GRCh38, 1-based): chr8:143,924,074, C>T on the plus strand (G>A on the coding strand, the complement: PLEC is on the minus strand). VCF-style: chr8-143924074-C-T. GRCh37 (hg19) VCF-style: chr8-144998242-C-T.
Other names: c.5936G>A, p.Arg1979His (NM_000445.5); c.5813G>A, p.Arg1938His (NM_201378.4); c.5789G>A, p.Arg1930His (NM_201379.3); c.6266G>A, p.Arg2089His (NM_201380.4); c.5759G>A, p.Arg1920His (NM_201381.3); c.5855G>A, p.Arg1952His (NM_201382.4); c.5867G>A, p.Arg1956His (NM_201383.3); c.5936G>A (NM_000445.3); short protein forms R1920H, R1930H, R2089H, R1938H, R1952H, R1956H, R1979H.
Identifiers: ClinVar variation 871943 (VCV000871943.50), dbSNP rs782475966, ClinGen allele CA4926212.

ClinVar aggregate classification (germline): Uncertain significance. Review status: criteria provided, multiple submitters, no conflicts (2 of 4 stars). 4 submissions from 4 submitters: Uncertain significance (4). Last evaluated 2025-07-15.

Conditions:
Epidermolysis bullosa simplex, Ogna type (EBS5A). Also called: Pidermolysis bullosa simplex 5A, Ogna type; EPIDERMOLYSIS BULLOSA SIMPLEX 5A, OGNA TYPE. Identifiers: Orphanet 79401, MedGen C0432317, MONDO:0007555, OMIM 131950.
Epidermolysis bullosa simplex 5C, with pyloric atresia (EBS5C). Also called: PLEC1-Related Epidermolysis Bullosa with Pyloric Atresia; PLEC-Related Epidermolysis Bullosa with Pyloric Atresia; Epidermolysis bullosa simplex with pyloric atresia. Identifiers: Orphanet 158684, MedGen C2677349, MONDO:0012807, OMIM 612138.
Autosomal recessive limb-girdle muscular dystrophy type 2Q (LGMDR17). Also called: MUSCULAR DYSTROPHY, LIMB-GIRDLE, AUTOSOMAL RECESSIVE 17. Identifiers: Orphanet 254361, MedGen C3150989, MONDO:0013390, OMIM 613723.
Epidermolysis bullosa simplex 5B, with muscular dystrophy (EBS5B). Also called: EPIDERMOLYSIS BULLOSA SIMPLEX AND LIMB-GIRDLE MUSCULAR DYSTROPHY; Epidermolysis bullosa simplex with muscular dystrophy. Identifiers: Orphanet 257, MedGen C2931072, MONDO:0009181, OMIM 226670.
Epidermolysis bullosa simplex with nail dystrophy (EBS5D). Identifiers: MedGen C4225309, MONDO:0014661, OMIM 616487.
Inborn genetic diseases. Identifiers: MedGen C0950123, MeSH D030342.

Allele frequency attached by ClinVar (database versions not stated): TOPMed 0.00002.
gnomAD v4.1: 21 of 1,597,674 alleles (0.0013%); highest among the groups gnomAD compares: African/African-American, 0.0067%; no homozygotes.

Submissions (4):

Ambry Genetics
Classification: Uncertain significance for Inborn genetic diseases. Last evaluated: 2025-07-15. Review status: criteria provided, single submitter. Criteria: Ambry Variant Classification Scheme 2023. Collection method: clinical testing. Allele origin: germline.

Labcorp Genetics (formerly Invitae), Labcorp
Classification: Uncertain significance for Autosomal recessive limb-girdle muscular dystrophy type 2Q; Epidermolysis bullosa simplex, Ogna type; Epidermolysis bullosa simplex with nail dystrophy; Epidermolysis bullosa simplex 5C, with pyloric atresia; Epidermolysis bullosa simplex 5B, with muscular dystrophy. Last evaluated: 2024-02-24. Review status: criteria provided, single submitter. Criteria: Invitae Variant Classification Sherloc (09022015). Collection method: clinical testing. Allele origin: germline.
Comment: This sequence change replaces arginine, which is basic and polar, with histidine, which is basic and polar, at codon 1979 of the PLEC protein (p.Arg1979His). The frequency data for this variant in the population databases is considered unreliable, as metrics indicate poor data quality at this position in the gnomAD database. This variant has not been reported in the literature in individuals affected with PLEC-related conditions. ClinVar contains an entry for this variant (Variation ID: 871943). Experimental studies and prediction algorithms are not available or were not evaluated, and the functional significance of this variant is currently unknown. In summary, the available evidence is currently insufficient to determine the role of this variant in disease. Therefore, it has been classified as a Variant of Uncertain Significance.

Revvity Omics, Revvity
Classification: Uncertain significance. Last evaluated: 2023-11-22. Review status: criteria provided, single submitter. Criteria: ACMG Guidelines, 2015. Collection method: clinical testing. Allele origin: germline.

CeGaT Center for Human Genetics Tuebingen
Classification: Uncertain significance. Last evaluated: 2019-12-01. Review status: criteria provided, single submitter. Criteria: CeGaT Center For Human Genetics Tuebingen Variant Classification Criteria Version 2. Collection method: clinical testing. Allele origin: germline. Affected: yes. Observed: 1 variant allele.